The following is an entry in ClinVar:

ClinVar aggregate classification (germline): Uncertain significance (1 of 4 stars; one submission).

Allele frequency attached by ClinVar (database versions not stated): gnomAD exomes 0.00001; TOPMed 0.00001; ExAC 0.00002.

Submission:

Labcorp Genetics (formerly Invitae), Labcorp
Classification: Uncertain significance. Last evaluated: 2025-02-24. Review status: criteria provided, single submitter. Criteria: Invitae Variant Classification Sherloc (09022015). Collection method: clinical testing. Allele origin: germline.
Comment: This sequence change replaces proline, which is neutral and non-polar, with leucine, which is neutral and non-polar, at codon 240 of the CDK5 protein (p.Pro240Leu). This variant is present in population databases (rs781286909, gnomAD 0.002%). This variant has not been reported in the literature in individuals affected with CDK5-related conditions. ClinVar contains an entry for this variant (Variation ID: 2164337). An algorithm developed to predict the effect of missense changes on protein structure and function (PolyPhen-2) suggests that this variant is likely to be tolerated. In summary, the available evidence is currently insufficient to determine the role of this variant in disease. Therefore, it has been classified as a Variant of Uncertain Significance.

NM_004935.4(CDK5):c.719C>T (p.Pro240Leu)

Gene: CDK5 (cyclin dependent kinase 5; minus strand). Cytogenetic location: 7q36.1.
Variant type: single nucleotide variant.
Coding change: c.719C>T on transcript NM_004935.4 (MANE Select); coding-DNA position 719, C replaced by T.
Protein change: p.Pro240Leu; replaces proline 240 with leucine.
Molecular consequence: missense variant.
Genome position (GRCh38, 1-based): chr7:151,054,285, G>A on the plus strand (C>T on the coding strand, the complement: CDK5 is on the minus strand). VCF-style: chr7-151054285-G-A. GRCh37 (hg19) VCF-style: chr7-150751372-G-A.
Other names: c.623C>T, p.Pro208Leu (NM_001164410.3); short protein forms P240L, P208L.
Identifiers: ClinVar variation 2164337 (VCV002164337.4), dbSNP rs781286909, ClinGen allele CA4570383.